The following is an entry in ClinVar:

NM_001111.5(ADAR):c.340C>T (p.Arg114Cys)

Gene: ADAR (adenosine deaminase RNA specific; minus strand). Cytogenetic location: 1q21.3.
Variant type: single nucleotide variant.
Coding change: c.340C>T on transcript NM_001111.5 (MANE Select); coding-DNA position 340, C replaced by T.
Protein change: p.Arg114Cys; replaces arginine 114 with cysteine.
Molecular consequence: missense variant. On other transcripts: 5 prime UTR variant (3), intron variant (3).
Genome position (GRCh38, 1-based): chr1:154,602,302, G>A on the plus strand (C>T on the coding strand, the complement: ADAR is on the minus strand). VCF-style: chr1-154602302-G-A. GRCh37 (hg19) VCF-style: chr1-154574778-G-A.
Other names: c.-546C>T (NM_001025107.3, NM_001193495.2, NM_001365048.1); c.367C>T, p.Arg123Cys (NM_001365045.1); c.340C>T, p.Arg114Cys (NM_015840.4, NM_015841.4); c.-492-54C>T (NM_001365046.1, NM_001365049.1, NM_001365047.1); short protein forms R123C, R114C.
Identifiers: ClinVar variation 1475802 (VCV001475802.6), dbSNP rs200286478, ClinGen allele CA1131715.

ClinVar aggregate classification (germline): Uncertain significance (1 of 4 stars; one submission).

Conditions:
Aicardi-Goutieres syndrome 6 (AGS6). Identifiers: Orphanet 51, MedGen C3539013, MONDO:0014007, OMIM 615010.
Symmetrical dyschromatosis of extremities (DSH). Also called: DYSCHROMATOSIS SYMMETRICA HEREDITARIA 1; RETICULATE ACROPIGMENTATION OF DOHI; SYMMETRIC DYSCHROMATOSIS OF THE EXTREMITIES; Dyschromatosis symmetrica hereditaria. Identifiers: Orphanet 41, MedGen C0406775, MONDO:0007483, OMIM 127400.

Allele frequency attached by ClinVar (database versions not stated): TOPMed 0.00001; 1000 Genomes Project 0.00020; 1000 Genomes Project 30x 0.00016; gnomAD exomes 0.00001; gnomAD 0.00001; ExAC 0.00002.

Submission:

Labcorp Genetics (formerly Invitae), Labcorp
Classification: Uncertain significance for Aicardi-Goutieres syndrome 6; Symmetrical dyschromatosis of extremities. Last evaluated: 2025-06-17. Review status: criteria provided, single submitter. Criteria: Invitae Variant Classification Sherloc (09022015). Collection method: clinical testing. Allele origin: germline.
Comment: This sequence change replaces arginine, which is basic and polar, with cysteine, which is neutral and slightly polar, at codon 114 of the ADAR protein (p.Arg114Cys). This variant is present in population databases (rs200286478, gnomAD 0.006%). This variant has not been reported in the literature in individuals affected with ADAR-related conditions. ClinVar contains an entry for this variant (Variation ID: 1475802). An algorithm developed to predict the effect of missense changes on protein structure and function (PolyPhen-2) suggests that this variant is likely to be disruptive. In summary, the available evidence is currently insufficient to determine the role of this variant in disease. Therefore, it has been classified as a Variant of Uncertain Significance.